The following is an entry in ClinVar:

ClinVar aggregate classification (germline): Benign/Likely benign. Review status: criteria provided, multiple submitters, no conflicts (2 of 4 stars). 6 submissions from 6 submitters: Benign (1); Likely benign (3). 2 of the submissions do not count toward it. Last evaluated 2026-01-26.

Conditions:
Intellectual disability. Also called: Intellectual functioning disability; intellectual disabilities; Intellectual developmental disorder. Identifiers: MedGen C3714756, MeSH D008607, MONDO:0001071, HP:0001249.
Lowe syndrome (OCRL). Also called: LOWE OCULOCEREBRORENAL SYNDROME; PHOSPHATIDYLINOSITOL 4,5-BISPHOSPHATE 5-PHOSPHATASE DEFICIENCY; Oculocerebrorenal Syndrome. Identifiers: Orphanet 534, MedGen C0028860, MONDO:0010645, OMIM 309000.
Dent disease type 2. Identifiers: Orphanet 1652, Orphanet 93623, MedGen C1845167, MONDO:0010359, OMIM 300555.

Allele frequency attached by ClinVar (database versions not stated): TOPMed below 0.00001; gnomAD 0.00007; gnomAD exomes 0.00010 and 0.00020; ExAC 0.00026; 1000 Genomes Project 30x 0.00104; 1000 Genomes Project 0.00106.
gnomAD v4.1: 112 of 1,163,571 alleles (0.0096%); highest among the groups gnomAD compares: South Asian, 0.19%; 1 homozygote.

Submissions (6):

Labcorp Genetics (formerly Invitae), Labcorp
Classification: Benign for Lowe syndrome. Last evaluated: 2026-01-26. Review status: criteria provided, single submitter. Criteria: Invitae Variant Classification Sherloc (09022015). Collection method: clinical testing. Allele origin: germline.

CeGaT Center for Human Genetics Tuebingen
Classification: Likely benign. Last evaluated: 2022-12-01. Review status: criteria provided, single submitter. Criteria: CeGaT Center For Human Genetics Tuebingen Variant Classification Criteria Version 2. Collection method: clinical testing. Allele origin: germline. Affected: yes. Observed: 1 variant allele.
Comment: OCRL: BS2

Fulgent Genetics
Classification: Likely benign for Dent disease type 2; Lowe syndrome. Last evaluated: 2021-08-23. Review status: criteria provided, single submitter. Criteria: ACMG Guidelines, 2015. Collection method: clinical testing. Allele origin: unknown.

Cambridge Genomics Laboratory, East Genomic Laboratory Hub, NHS Genomic Medicine Service
Classification: Likely benign for Intellectual disability. Last evaluated: 2020-04-29. Review status: criteria provided, single submitter. Criteria: ACGS Best Practice Guidelines for Variant Classification in Rare Disease 2020. Collection method: clinical testing. Allele origin: germline. Affected: yes. Observed: 1 variant allele.

Clinical Genetics DNA and cytogenetics Diagnostics Lab, Erasmus MC, Erasmus Medical Center
Classification: Likely benign. Review status: no assertion criteria provided. Collection method: clinical testing. Allele origin: germline. Affected: yes. Study: VKGL Data-share Consensus. Not counted in ClinVar's aggregate classification.

Genome Diagnostics Laboratory, University Medical Center Utrecht
Classification: Benign. Review status: no assertion criteria provided. Collection method: clinical testing. Allele origin: germline. Affected: yes. Study: VKGL Data-share Consensus. Not counted in ClinVar's aggregate classification.

NM_000276.4(OCRL):c.152A>G (p.His51Arg)

Gene: OCRL (OCRL inositol polyphosphate-5-phosphatase; plus strand). Cytogenetic location: Xq26.1.
Variant type: single nucleotide variant.
Coding change: c.152A>G on transcript NM_000276.4 (MANE Select); coding-DNA position 152, A replaced by G.
Protein change: p.His51Arg; replaces histidine 51 with arginine.
Molecular consequence: missense variant.
Genome position (GRCh38, 1-based): chrX:129,544,990, A>G. VCF-style: chrX-129544990-A-G. GRCh37 (hg19) VCF-style: chrX-128678967-A-G.
Other names: c.155A>G, p.His52Arg (NM_001318784.2); c.152A>G, p.His51Arg (NM_001587.4); short protein forms H51R, H52R.
Identifiers: ClinVar variation 1285062 (VCV001285062.33), dbSNP rs764804719, ClinGen allele CA10511956.